The following is an entry in ClinVar:

ClinVar aggregate classification (germline): Uncertain significance (1 of 4 stars; one submission).

Conditions:
Short-rib thoracic dysplasia 14 with polydactyly (SRTD14). Identifiers: Orphanet 397715, MedGen C4225286, MONDO:0014688, OMIM 616546.
Joubert syndrome 23 (JBTS23). Identifiers: Orphanet 475, MedGen C4084822, MONDO:0014664, OMIM 616490.

Allele frequency attached by ClinVar (database versions not stated): gnomAD exomes below 0.00001 and 0.00002; ExAC 0.00001.
gnomAD v4.1: 5 of 1,600,772 alleles (0.00031%); highest among the groups gnomAD compares: Non-Finnish European, 0.000086%; no homozygotes.

Submission:

Labcorp Genetics (formerly Invitae), Labcorp
Classification: Uncertain significance for Joubert syndrome 23; Short-rib thoracic dysplasia 14 with polydactyly. Last evaluated: 2025-04-17. Review status: criteria provided, single submitter. Criteria: Invitae Variant Classification Sherloc (09022015). Collection method: clinical testing. Allele origin: germline.
Comment: This sequence change replaces threonine, which is neutral and polar, with isoleucine, which is neutral and non-polar, at codon 332 of the KIAA0586 protein (p.Thr332Ile). This variant is present in population databases (rs779264142, gnomAD 0.02%). This variant has not been reported in the literature in individuals affected with KIAA0586-related conditions. ClinVar contains an entry for this variant (Variation ID: 1369731). Invitae Evidence Modeling of protein sequence and biophysical properties (such as structural, functional, and spatial information, amino acid conservation, physicochemical variation, residue mobility, and thermodynamic stability) indicates that this missense variant is not expected to disrupt KIAA0586 protein function with a negative predictive value of 80%. In summary, the available evidence is currently insufficient to determine the role of this variant in disease. Therefore, it has been classified as a Variant of Uncertain Significance.

NM_001329943.3(KIAA0586):c.836C>T (p.Thr279Ile)

Gene: KIAA0586 (KIAA0586; plus strand). Cytogenetic location: 14q23.1.
Variant type: single nucleotide variant.
Coding change: c.836C>T on transcript NM_001329943.3 (MANE Select); coding-DNA position 836, C replaced by T.
Protein change: p.Thr279Ile; replaces threonine 279 with isoleucine.
Molecular consequence: missense variant.
Genome position (GRCh38, 1-based): chr14:58,448,368, C>T. VCF-style: chr14-58448368-C-T. GRCh37 (hg19) VCF-style: chr14-58915086-C-T.
Other names: c.581C>T, p.Thr194Ile (NM_001329945.2, NM_001364700.1, NM_001364701.2 and 1 more transcripts); c.836C>T, p.Thr279Ile (NM_001329946.2, NM_001329947.2, NM_014749.5 and 1 more transcripts); c.995C>T, p.Thr332Ile (NM_001244189.2); c.791C>T, p.Thr264Ile (NM_001244190.2); c.704C>T, p.Thr235Ile (NM_001244192.2); c.416C>T, p.Thr139Ile (NM_001244193.2); short protein forms T139I, T194I, T235I, T332I, T264I, T279I.
Identifiers: ClinVar variation 1369731 (VCV001369731.6), dbSNP rs779264142, ClinGen allele CA7205495.